The following is an entry in ClinVar:

ClinVar aggregate classification (germline): Uncertain significance. Review status: criteria provided, multiple submitters, no conflicts (2 of 4 stars). 2 submissions from 2 submitters: Uncertain significance (2). Last evaluated 2025-08-19.

Allele frequency attached by ClinVar (database versions not stated): gnomAD 0.00001; TOPMed 0.00001; ExAC 0.00002.
gnomAD v4.1: 20 of 1,613,722 alleles (0.0012%); highest among the groups gnomAD compares: East Asian, 0.0067%; no homozygotes.

Submissions (2):

GeneDx
Classification: Uncertain significance. Last evaluated: 2025-08-19. Review status: criteria provided, single submitter. Criteria: GeneDx Variant Classification Process June 2021. Collection method: clinical testing. Allele origin: germline.
Comment: In silico analysis supports that this missense variant has a deleterious effect on protein structure/function; Has not been previously published as pathogenic or benign to our knowledge

Labcorp Genetics (formerly Invitae), Labcorp
Classification: Uncertain significance. Last evaluated: 2023-02-03. Review status: criteria provided, single submitter. Criteria: Invitae Variant Classification Sherloc (09022015). Collection method: clinical testing. Allele origin: germline.
Comment: This variant has not been reported in the literature in individuals affected with FAM65B-related conditions. This variant is present in population databases (rs754206498, gnomAD 0.02%). This sequence change replaces arginine, which is basic and polar, with methionine, which is neutral and non-polar, at codon 73 of the FAM65B protein (p.Arg73Met). Algorithms developed to predict the effect of missense changes on protein structure and function (SIFT, PolyPhen-2, Align-GVGD) all suggest that this variant is likely to be disruptive. In summary, the available evidence is currently insufficient to determine the role of this variant in disease. Therefore, it has been classified as a Variant of Uncertain Significance.

NM_001286445.3(RIPOR2):c.305G>T (p.Arg102Met)

Gene: RIPOR2 (RHO family interacting cell polarization regulator 2; minus strand). Cytogenetic location: 6p22.3.
Variant type: single nucleotide variant.
Coding change: c.305G>T on transcript NM_001286445.3 (MANE Select); coding-DNA position 305, G replaced by T.
Protein change: p.Arg102Met; replaces arginine 102 with methionine.
Molecular consequence: missense variant.
Genome position (GRCh38, 1-based): chr6:24,873,683, C>A on the plus strand (G>T on the coding strand, the complement: RIPOR2 is on the minus strand). VCF-style: chr6-24873683-C-A. GRCh37 (hg19) VCF-style: chr6-24873911-C-A.
Other names: c.320G>T, p.Arg107Met (NM_001286446.3); c.218G>T, p.Arg73Met (NM_001286447.2, NM_001346031.2, NM_001346032.2 and 2 more transcripts); c.218G>T (NM_014722.3); short protein forms R102M, R107M, R73M.
Identifiers: ClinVar variation 2984767 (VCV002984767.5), dbSNP rs754206498, ClinGen allele CA3659595.